The following is an entry in ClinVar:

ClinVar aggregate classification (germline): Uncertain significance (1 of 4 stars; one submission).

Conditions:
Immunodeficiency 39 (IMD39). Identifiers: Orphanet 574918, MedGen C4225358, MONDO:0014597, OMIM 616345.

Submission:

Labcorp Genetics (formerly Invitae), Labcorp
Classification: Uncertain significance for Immunodeficiency 39. Last evaluated: 2023-06-25. Review status: criteria provided, single submitter. Criteria: Invitae Variant Classification Sherloc (09022015). Collection method: clinical testing. Allele origin: germline.
Comment: In summary, the available evidence is currently insufficient to determine the role of this variant in disease. Therefore, it has been classified as a Variant of Uncertain Significance. An algorithm developed to predict the effect of missense changes on protein structure and function (PolyPhen-2) suggests that this variant is likely to be tolerated. This variant has not been reported in the literature in individuals affected with IRF7-related conditions. This variant is not present in population databases (gnomAD no frequency). This sequence change replaces aspartic acid, which is acidic and polar, with histidine, which is basic and polar, at codon 12 of the IRF7 protein (p.Asp12His).

NM_001572.5(IRF7):c.21-26G>C

Gene: IRF7 (interferon regulatory factor 7; minus strand). Cytogenetic location: 11p15.5.
Variant type: single nucleotide variant.
Coding change: c.21-26G>C on transcript NM_001572.5 (MANE Select); 26 bases into the intron before coding-DNA position 21, G replaced by C.
Molecular consequence: intron variant. On other transcripts: missense variant (1).
Genome position (GRCh38, 1-based): chr11:615,285, C>G on the plus strand (G>C on the coding strand, the complement: IRF7 is on the minus strand). VCF-style: chr11-615285-C-G. GRCh37 (hg19) VCF-style: chr11-615285-C-G.
Other names: c.34G>C, p.Asp12His (NM_004031.4); c.21-26G>C (NM_004029.4); short protein forms D12H.
Identifiers: ClinVar variation 2729258 (VCV002729258.3), dbSNP rs760738078, ClinGen allele CA378985236.